The following is an entry in ClinVar:

NM_001367624.2(ZNF469):c.3878C>T (p.Ser1293Leu)

Gene: ZNF469 (zinc finger protein 469; plus strand). Cytogenetic location: 16q24.2.
Variant type: single nucleotide variant.
Coding change: c.3878C>T on transcript NM_001367624.2 (MANE Select); coding-DNA position 3878, C replaced by T.
Protein change: p.Ser1293Leu; replaces serine 1293 with leucine.
Molecular consequence: missense variant.
Genome position (GRCh38, 1-based): chr16:88,431,348, C>T. VCF-style: chr16-88431348-C-T. GRCh37 (hg19) VCF-style: chr16-88497756-C-T.
Other names: NM_001127464.1:c.3794C>T; short protein forms S1293L.
Identifiers: ClinVar variation 3987410 (VCV003987410.2).
Genomic context (GRCh38, chr16:88,431,348, plus strand): 5'-ATGACACCGGCACCCCCAAGCCGTCGGGAAGCCTCGCCAACACGGCGCCCCACGGAAGCT[C>T]GCCAACGCCAGGTGTGGGCAGCCTGCTGGGTGGTCCTGGGGGCACACAGGCCCCAGTCTC-3'
Protein context (NP_001354553.1, residues 1283-1303): SLANTAPHGS[Ser1293Leu]PTPGVGSLLG

ClinVar aggregate classification (germline): Uncertain significance. Review status: criteria provided, multiple submitters, no conflicts (2 of 4 stars). 2 submissions from 2 submitters: Uncertain significance (2). Last evaluated 2025-10-01.

Conditions:
Cardiovascular phenotype. Identifiers: MedGen CN230736.

gnomAD v4.1: 3 of 1,549,406 alleles (0.00019%); highest among the groups gnomAD compares: Non-Finnish European, 0.00026%; no homozygotes.

Submissions (2):

Women's Health and Genetics/Laboratory Corporation of America, LabCorp
Classification: Uncertain significance. Last evaluated: 2025-10-01. Review status: criteria provided, single submitter. Criteria: LabCorp Variant Classification Summary - May 2015. Collection method: clinical testing. Allele origin: germline.
Comment: Variant summary: ZNF469 c.3878C>T (p.Ser1293Leu) results in a non-conservative amino acid change in the encoded protein sequence. Algorithms developed to predict the effect of missense changes on protein structure and function are either unavailable or do not agree on the potential impact of this missense change. The variant was absent in 150760 control chromosomes. The available data on variant occurrences in the general population are insufficient to allow any conclusion about variant significance. To our knowledge, no occurrence of c.3878C>T in individuals affected with ZNF469-related conditions and no experimental evidence demonstrating its impact on protein function have been reported. ClinVar contains an entry for this variant (Variation ID: 3987410). Based on the evidence outlined above, the variant was classified as uncertain significance.

Ambry Genetics
Classification: Uncertain significance for Cardiovascular phenotype. Last evaluated: 2025-05-04. Review status: criteria provided, single submitter. Criteria: Ambry Variant Classification Scheme 2023. Collection method: clinical testing. Allele origin: germline.